The following is an entry in ClinVar:

NM_144670.6(A2ML1):c.1249-305A>C

Gene: A2ML1 (alpha-2-macroglobulin like 1; plus strand). Cytogenetic location: 12p13.31.
Variant type: single nucleotide variant.
Coding change: c.1249-305A>C on transcript NM_144670.6 (MANE Select); 305 bases into the intron before coding-DNA position 1249, A replaced by C.
Molecular consequence: intron variant.
Genome position (GRCh38, 1-based): chr12:8,842,829, A>C. VCF-style: chr12-8842829-A-C. GRCh37 (hg19) VCF-style: chr12-8995425-A-C.
Identifiers: ClinVar variation 561916 (VCV000561916.1), dbSNP rs146519959, ClinGen allele CA232677230.

ClinVar aggregate classification (germline): Likely benign (1 of 4 stars; one submission).

Allele frequency attached by ClinVar (database versions not stated): gnomAD 0.00539 and 0.00578; 1000 Genomes Project 0.00559; 1000 Genomes Project 30x 0.00562; TOPMed 0.00634.
gnomAD v4.1: 814 of 152,318 alleles (0.53%); highest among the groups gnomAD compares: African/African-American, 1.7%; 9 homozygotes.

Submission:

GeneDx
Classification: Likely benign. Last evaluated: 2018-06-14. Review status: criteria provided, single submitter. Criteria: GeneDx Variant Classification (06012015). Collection method: clinical testing. Allele origin: germline. Affected: yes.
Comment: This variant is considered likely benign or benign based on one or more of the following criteria: it is a conservative change, it occurs at a poorly conserved position in the protein, it is predicted to be benign by multiple in silico algorithms, and/or has population frequency not consistent with disease.